The following is an entry in ClinVar:

NM_006790.3(MYOT):c.320A>G (p.Tyr107Cys)

Genes: MYOT (myotilin; plus strand), PKD2L2-DT (PKD2L2 divergent transcript; minus strand). Cytogenetic location: 5q31.2.
Variant type: single nucleotide variant.
Coding change: c.320A>G on transcript NM_006790.3 (MANE Select); coding-DNA position 320, A replaced by G.
Protein change: p.Tyr107Cys; replaces tyrosine 107 with cysteine.
Molecular consequence: missense variant. On other transcripts: 5 prime UTR variant (1), intron variant (1).
Genome position (GRCh38, 1-based): chr5:137,870,971, A>G. VCF-style: chr5-137870971-A-G. GRCh37 (hg19) VCF-style: chr5-137206660-A-G.
Other names: c.-26A>G (NM_001300911.2); c.-197+446A>G (NM_001135940.2); short protein forms Y107C.
Identifiers: ClinVar variation 4779635 (VCV004779635.1).

ClinVar aggregate classification (germline): Uncertain significance (1 of 4 stars; one submission).

Conditions:
Myofibrillar myopathy 3 (MFM3). Also called: Autosomal dominant spheroid body myopathy; Muscular dystrophy, proximal, type 1A. Identifiers: Orphanet 266, Orphanet 268129, MedGen C3714934, MONDO:0012215, OMIM 609200.

gnomAD v4.1: 1 of 1,614,184 alleles (0.000062%); highest among the groups gnomAD compares: Non-Finnish European, 0.000085%; no homozygotes.

Submission:

Labcorp Genetics (formerly Invitae), Labcorp
Classification: Uncertain significance for Myofibrillar myopathy 3. Last evaluated: 2025-10-15. Review status: criteria provided, single submitter. Criteria: Invitae Variant Classification Sherloc (09022015). Collection method: clinical testing. Allele origin: germline.
Comment: This sequence change replaces tyrosine, which is neutral and polar, with cysteine, which is neutral and slightly polar, at codon 107 of the MYOT protein (p.Tyr107Cys). This variant is not present in population databases (gnomAD no frequency). This variant has not been reported in the literature in individuals affected with MYOT-related conditions. Invitae Evidence Modeling of protein sequence and biophysical properties (such as structural, functional, and spatial information, amino acid conservation, physicochemical variation, residue mobility, and thermodynamic stability) indicates that this missense variant is not expected to disrupt MYOT protein function with a negative predictive value of 80%. In summary, the available evidence is currently insufficient to determine the role of this variant in disease. Therefore, it has been classified as a Variant of Uncertain Significance.